The following is an entry in ClinVar:

ClinVar aggregate classification (germline): Uncertain significance. Review status: criteria provided, multiple submitters, no conflicts (2 of 4 stars). 2 submissions from 2 submitters: Uncertain significance (2). Last evaluated 2022-10-04.

Conditions:
LAMA2-related muscular dystrophy (LAMA2-RD). Also called: Laminin alpha 2-related dystrophy. Identifiers: MedGen C5679788, MONDO:0100228.

Allele frequency attached by ClinVar (database versions not stated): gnomAD exomes below 0.00001 and 0.00002; ExAC 0.00001; gnomAD 0.00001; ESP Exome Variant Server 0.00008.
gnomAD v4.1: 36 of 1,613,748 alleles (0.0022%); highest among the groups gnomAD compares: Non-Finnish European, 0.0031%; no homozygotes.

Submissions (2):

Labcorp Genetics (formerly Invitae), Labcorp
Classification: Uncertain significance for LAMA2-related muscular dystrophy. Last evaluated: 2022-10-04. Review status: criteria provided, single submitter. Criteria: Invitae Variant Classification Sherloc (09022015). Collection method: clinical testing. Allele origin: germline.
Comment: This sequence change replaces alanine, which is neutral and non-polar, with threonine, which is neutral and polar, at codon 2093 of the LAMA2 protein (p.Ala2093Thr). This variant is present in population databases (rs141857004, gnomAD 0.002%). This variant has not been reported in the literature in individuals affected with LAMA2-related conditions. ClinVar contains an entry for this variant (Variation ID: 855660). Advanced modeling of protein sequence and biophysical properties (such as structural, functional, and spatial information, amino acid conservation, physicochemical variation, residue mobility, and thermodynamic stability) performed at Invitae indicates that this missense variant is not expected to disrupt LAMA2 protein function. In summary, the available evidence is currently insufficient to determine the role of this variant in disease. Therefore, it has been classified as a Variant of Uncertain Significance.

Revvity Omics, Revvity
Classification: Uncertain significance. Last evaluated: 2020-01-30. Review status: criteria provided, single submitter. Criteria: ACMG Guidelines, 2015. Collection method: clinical testing. Allele origin: germline.

NM_000426.4(LAMA2):c.6277G>A (p.Ala2093Thr)

Gene: LAMA2 (laminin subunit alpha 2; plus strand). Cytogenetic location: 6q22.33.
Variant type: single nucleotide variant.
Coding change: c.6277G>A on transcript NM_000426.4 (MANE Select); coding-DNA position 6277, G replaced by A.
Protein change: p.Ala2093Thr; replaces alanine 2093 with threonine.
Molecular consequence: missense variant.
Genome position (GRCh38, 1-based): chr6:129,445,669, G>A. VCF-style: chr6-129445669-G-A. GRCh37 (hg19) VCF-style: chr6-129766814-G-A.
Other names: c.6277G>A, p.Ala2093Thr (NM_001079823.2); short protein forms A2093T.
Identifiers: ClinVar variation 855660 (VCV000855660.6), dbSNP rs141857004, ClinGen allele CA3994233.